The following is an entry in ClinVar:

NM_001365999.1(SZT2):c.3004T>C (p.Cys1002Arg)

Gene: SZT2 (SZT2 subunit of KICSTOR complex; plus strand). Cytogenetic location: 1p34.2.
Variant type: single nucleotide variant.
Coding change: c.3004T>C on transcript NM_001365999.1 (MANE Select); coding-DNA position 3004, T replaced by C.
Protein change: p.Cys1002Arg; replaces cysteine 1002 with arginine.
Molecular consequence: missense variant.
Genome position (GRCh38, 1-based): chr1:43,426,112, T>C. VCF-style: chr1-43426112-T-C. GRCh37 (hg19) VCF-style: chr1-43891783-T-C.
Other names: c.3004T>C, p.Cys1002Arg (NM_015284.4); short protein forms C1002R.
Identifiers: ClinVar variation 1306698 (VCV001306698.2), dbSNP rs1653113993, ClinGen allele CA340016198.

ClinVar aggregate classification (germline): Uncertain significance (1 of 4 stars; one submission).

Allele frequency attached by ClinVar (database versions not stated): gnomAD 0.00001.
gnomAD v4.1: 1 of 1,614,056 alleles (0.000062%); highest among the groups gnomAD compares: African/African-American, 0.0013%; no homozygotes.

Submission:

GeneDx
Classification: Uncertain significance. Last evaluated: 2019-07-11. Review status: criteria provided, single submitter. Criteria: GeneDx Variant Classification Process June 2021. Collection method: clinical testing. Allele origin: germline. Affected: yes.
Comment: Not observed in large population cohorts (Lek et al., 2016); In silico analysis, which includes protein predictors and evolutionary conservation, supports a deleterious effect; Has not been previously published as pathogenic or benign to our knowledge